The following is an entry in ClinVar:

NM_005157.6(ABL1):c.1310T>C (p.Met437Thr)

Gene: ABL1 (ABL proto-oncogene 1, non-receptor tyrosine kinase; plus strand). Cytogenetic location: 9q34.12.
Variant type: single nucleotide variant.
Coding change: c.1310T>C on transcript NM_005157.6 (MANE Select); coding-DNA position 1310, T replaced by C.
Protein change: p.Met437Thr; replaces methionine 437 with threonine.
Molecular consequence: missense variant.
Genome position (GRCh38, 1-based): chr9:130,878,454, T>C. VCF-style: chr9-130878454-T-C. GRCh37 (hg19) VCF-style: chr9-133753841-T-C.
Other names: c.1367T>C, p.Met456Thr (NM_007313.3); short protein forms M437T, M456T.
Identifiers: ClinVar variation 3659965 (VCV003659965.2).

ClinVar aggregate classification (germline): Uncertain significance (1 of 4 stars; one submission).

Submission:

Labcorp Genetics (formerly Invitae), Labcorp
Classification: Uncertain significance. Last evaluated: 2025-12-17. Review status: criteria provided, single submitter. Criteria: Invitae Variant Classification Sherloc (09022015). Collection method: clinical testing. Allele origin: germline.
Comment: This sequence change replaces methionine, which is neutral and non-polar, with threonine, which is neutral and polar, at codon 456 of the ABL1 protein (p.Met456Thr). This variant is not present in population databases (gnomAD no frequency). This variant has not been reported in the literature in individuals affected with ABL1-related conditions. ClinVar contains an entry for this variant (Variation ID: 3659965). Invitae Evidence Modeling of protein sequence and biophysical properties (such as structural, functional, and spatial information, amino acid conservation, physicochemical variation, residue mobility, and thermodynamic stability) has been performed for this missense variant. However, the output from this modeling did not meet the statistical confidence thresholds required to predict the impact of this variant on ABL1 protein function. In summary, the available evidence is currently insufficient to determine the role of this variant in disease. Therefore, it has been classified as a Variant of Uncertain Significance.